The following is an entry in ClinVar:

NM_000540.3(RYR1):c.2621C>T (p.Ala874Val)

Gene: RYR1 (ryanodine receptor 1; plus strand). Cytogenetic location: 19q13.2.
Variant type: single nucleotide variant.
Coding change: c.2621C>T on transcript NM_000540.3 (MANE Select); coding-DNA position 2621, C replaced by T.
Protein change: p.Ala874Val; replaces alanine 874 with valine.
Molecular consequence: missense variant.
Genome position (GRCh38, 1-based): chr19:38,463,466, C>T. VCF-style: chr19-38463466-C-T. GRCh37 (hg19) VCF-style: chr19-38954106-C-T.
Other names: c.2621C>T, p.Ala874Val (NM_001042723.2); short protein forms A874V.
Identifiers: ClinVar variation 566751 (VCV000566751.11), dbSNP rs779130363, ClinGen allele CA063611.
Genomic context (GRCh38, chr19:38,463,466, plus strand): 5'-CGTCCCTCTGCCTCTAGATTGTCCTGCCGCCCCATCTGGAGCGCATTCGGGAGAAGCTGG[C>T]GGAGAACATCCACGAGCTCTGGGCGCTAACCCGCATCGAGCAGGGCTGGACCTACGGCCC-3'
Protein context (NP_000531.2, residues 864-884): PHLERIREKL[Ala874Val]ENIHELWALT

ClinVar aggregate classification (germline): Uncertain significance. Review status: criteria provided, multiple submitters, no conflicts (2 of 4 stars). 4 submissions from 4 submitters: Uncertain significance (4). Last evaluated 2025-11-27.

Conditions:
Malignant hyperthermia, susceptibility to, 1 (MHS1). Also called: RYR1-Related Malignant Hyperthermia Susceptibility; Anesthesia related hyperthermia; Malignant hyperpyrexia; Fulminating hyperpyrexia; Pharmacogenic myopathy; Malignant hyperthermia suceptibility 1. Identifiers: Orphanet 423, MedGen C2930980, MONDO:0007783, OMIM 145600.
RYR1-related disorder. Also called: RYR1-related condition; RYR1-related disorders. Identifiers: MedGen CN239331.

Allele frequency attached by ClinVar (database versions not stated): TOPMed 0.00001; gnomAD exomes 0.00002; gnomAD 0.00001; ExAC 0.00002.
gnomAD v4.1: 24 of 1,613,686 alleles (0.0015%); highest among the groups gnomAD compares: Middle Eastern, 0.016%; no homozygotes.

Submissions (4):

Dasa
Classification: Uncertain significance. Last evaluated: 2025-11-27. Review status: criteria provided, single submitter. Criteria: DASA Assertion Criteria. Collection method: clinical testing. Allele origin: germline.
Comment: NM_000540.3(RYR1):c.2621C>T (p.Ala874Val) is a missense variant that results in the substitution of alanine with valine. This variant is rare in population databases. Computational prediction algorithms are consistent with a deleterious effect. The currently available literature and clinical evidence are not sufficient to establish a definitive association between this variant and the reported condition. Therefore, this variant is classified as a variant of uncertain significance.

All of Us Research Program, National Institutes of Health
Classification: Uncertain significance for Malignant hyperthermia, susceptibility to, 1. Last evaluated: 2024-06-11. Review status: criteria provided, single submitter. Criteria: ACMG Guidelines, 2015. Collection method: clinical testing. Allele origin: germline. Inheritance: Autosomal dominant inheritance. Observed: 4 variant alleles, 4 heterozygotes.
Comment: This missense variant replaces alanine with valine at codon 874 of the RYR1 protein. Computational prediction suggests that this variant may have deleterious impact on protein structure and function (internally defined REVEL score threshold >= 0.7, PMID: 27666373). To our knowledge, functional studies have not been reported for this variant. This variant has not been reported in individuals affected with RYR1-related disorders in the literature. This variant has been identified in 5/250750 chromosomes in the general population by the Genome Aggregation Database (gnomAD). The available evidence is insufficient to determine the role of this variant in disease conclusively. Therefore, this variant is classified as a Variant of Uncertain Significance.

This study involves interpretation of variants in research participants for the purpose of population health screening. Participant phenotype was not available at the time of variant classification. Additional details can be found in publication PMID: 35346344, PMCID: PMC8962531

Labcorp Genetics (formerly Invitae), Labcorp
Classification: Uncertain significance for RYR1-related disorder. Last evaluated: 2024-04-16. Review status: criteria provided, single submitter. Criteria: Invitae Variant Classification Sherloc (09022015). Collection method: clinical testing. Allele origin: germline.
Comment: This sequence change replaces alanine, which is neutral and non-polar, with valine, which is neutral and non-polar, at codon 874 of the RYR1 protein (p.Ala874Val). This variant is present in population databases (rs779130363, gnomAD 0.01%). This variant has not been reported in the literature in individuals affected with RYR1-related conditions. ClinVar contains an entry for this variant (Variation ID: 566751). Advanced modeling of protein sequence and biophysical properties (such as structural, functional, and spatial information, amino acid conservation, physicochemical variation, residue mobility, and thermodynamic stability) performed at Invitae indicates that this missense variant is expected to disrupt RYR1 protein function with a positive predictive value of 95%. In summary, the available evidence is currently insufficient to determine the role of this variant in disease. Therefore, it has been classified as a Variant of Uncertain Significance.

Revvity Omics, Revvity
Classification: Uncertain significance. Last evaluated: 2023-03-03. Review status: criteria provided, single submitter. Criteria: ACMG Guidelines, 2015. Collection method: clinical testing. Allele origin: germline.